The following is an entry in ClinVar:

ClinVar aggregate classification (germline): Benign (0 of 4 stars; one submission).

Conditions:
ATAD5-related disorder. Also called: ATAD5-related condition.

Allele frequency attached by ClinVar (database versions not stated): ESP Exome Variant Server 0.12550; TOPMed 0.13623; ExAC 0.14019; 1000 Genomes Project 0.17252; 1000 Genomes Project 30x 0.17489.

Submission:

PreventionGenetics, part of Exact Sciences
Classification: Benign for ATAD5-related condition. Last evaluated: 2019-10-18. Review status: no assertion criteria provided. Collection method: clinical testing. Allele origin: germline.
Comment: This variant is classified as benign based on ACMG/AMP sequence variant interpretation guidelines (Richards et al. 2015 PMID: 25741868, with internal and published modifications).

NM_024857.5(ATAD5):c.259C>T (p.Pro87Ser)

Gene: ATAD5 (ATPase family AAA domain containing 5; plus strand). Cytogenetic location: 17q11.2.
Variant type: single nucleotide variant.
Coding change: c.259C>T on transcript NM_024857.5 (MANE Select); coding-DNA position 259, C replaced by T.
Protein change: p.Pro87Ser; replaces proline 87 with serine.
Molecular consequence: missense variant.
Genome position (GRCh38, 1-based): chr17:30,834,340, C>T. VCF-style: chr17-30834340-C-T. GRCh37 (hg19) VCF-style: chr17-29161358-C-T.
Other names: short protein forms P87S.
Identifiers: ClinVar variation 3059655 (VCV003059655.2), dbSNP rs3816780, ClinGen allele CA8483450.